The following is an entry in ClinVar:

ClinVar aggregate classification (germline): Likely benign. Review status: criteria provided, multiple submitters, no conflicts (2 of 4 stars). 3 submissions from 3 submitters: Likely benign (3). Last evaluated 2022-07-05.

Allele frequency attached by ClinVar (database versions not stated): gnomAD exomes below 0.00001; gnomAD 0.00001; TOPMed 0.00003.
gnomAD v4.1: 2 of 1,613,972 alleles (0.00012%); highest among the groups gnomAD compares: African/African-American, 0.0013%; no homozygotes.

Submissions (3):

Labcorp Genetics (formerly Invitae), Labcorp
Classification: Likely benign. Last evaluated: 2022-07-05. Review status: criteria provided, single submitter. Criteria: Invitae Variant Classification Sherloc (09022015). Collection method: clinical testing. Allele origin: germline.

Blueprint Genetics
Classification: Likely benign. Last evaluated: 2020-09-30. Review status: criteria provided, single submitter. Criteria: ACMG Guidelines, 2015. Collection method: clinical testing. Allele origin: germline.

GeneDx
Classification: Likely benign. Last evaluated: 2016-05-20. Review status: criteria provided, single submitter. Criteria: GeneDx Variant Classification (06012015). Collection method: clinical testing. Allele origin: germline. Affected: yes.
Comment: This variant is considered likely benign or benign based on one or more of the following criteria: it is a conservative change, it occurs at a poorly conserved position in the protein, it is predicted to be benign by multiple in silico algorithms, and/or has population frequency not consistent with disease.

NM_000350.3(ABCA4):c.5955C>T (p.Leu1985=)

Gene: ABCA4 (ATP binding cassette subfamily A member 4; minus strand). Cytogenetic location: 1p22.1.
Variant type: single nucleotide variant.
Coding change: c.5955C>T on transcript NM_000350.3 (MANE Select); coding-DNA position 5955, C replaced by T.
Protein change: p.Leu1985=; no amino-acid change (leucine 1985 retained).
Molecular consequence: synonymous variant.
Genome position (GRCh38, 1-based): chr1:94,007,684, G>A on the plus strand (C>T on the coding strand, the complement: ABCA4 is on the minus strand). VCF-style: chr1-94007684-G-A. GRCh37 (hg19) VCF-style: chr1-94473240-G-A.
Other names: c.5733C>T, p.Leu1911= (NM_001425324.1).
Identifiers: ClinVar variation 386389 (VCV000386389.9), dbSNP rs201545948, ClinGen allele CA16603767.
Genomic context (GRCh38, chr1:94,007,684, plus strand): 5'-GGATACTCACCTCTTGCCTGCTACGGTGGCATCCCCTGAGGTCACTGTGGTGTCCCCAGT[G>A]AGCATCTTGAATGTGGTTGTTTTGCCGGCACCATTCACTCCCAGGAGGCCAAAGCACTAG-3'
Protein context (NP_000341.2, residues 1975-1995): GAGKTTTFKM[Leu1985=]TGDTTVTSGD